The following is an entry in ClinVar:

ClinVar aggregate classification (germline): Likely benign (1 of 4 stars; one submission).

Allele frequency attached by ClinVar (database versions not stated): 1000 Genomes Project 30x 0.00406; 1000 Genomes Project 0.00439; TOPMed 0.00703; gnomAD 0.00793; ESP Exome Variant Server 0.00854; gnomAD exomes 0.01076.
gnomAD v4.1: 10,220 of 991,626 alleles (1%); highest among the groups gnomAD compares: Non-Finnish European, 1.3%; 64 homozygotes.

Submission:

GeneDx
Classification: Likely benign. Last evaluated: 2020-01-16. Review status: criteria provided, single submitter. Criteria: GeneDx Variant Classification Process June 2021. Collection method: clinical testing. Allele origin: germline. Affected: yes.
Comment: See Variant Classification Assertion Criteria.

NM_205861.3(DHDDS):c.543-86A>G

Gene: DHDDS (dehydrodolichyl diphosphate synthase subunit; plus strand). Cytogenetic location: 1p36.11.
Variant type: single nucleotide variant.
Coding change: c.543-86A>G on transcript NM_205861.3 (MANE Select); 86 bases into the intron before coding-DNA position 543, A replaced by G.
Molecular consequence: intron variant.
Genome position (GRCh38, 1-based): chr1:26,457,705, A>G. VCF-style: chr1-26457705-A-G. GRCh37 (hg19) VCF-style: chr1-26784196-A-G.
Other names: c.264-86A>G (NM_001319959.2); c.543-86A>G (NM_024887.4); c.441-86A>G (NM_001243564.2); c.426-86A>G (NM_001243565.2).
Identifiers: ClinVar variation 1706995 (VCV001706995.2), dbSNP rs114122859, ClinGen allele CA19774768.